The following is an entry in ClinVar:

NM_005585.5(SMAD6):c.298G>A (p.Ala100Thr)

Gene: SMAD6 (SMAD family member 6; plus strand). Cytogenetic location: 15q22.31.
Variant type: single nucleotide variant.
Coding change: c.298G>A on transcript NM_005585.5 (MANE Select); coding-DNA position 298, G replaced by A.
Protein change: p.Ala100Thr; replaces alanine 100 with threonine.
Molecular consequence: missense variant. On other transcripts: non-coding transcript variant (1).
Genome position (GRCh38, 1-based): chr15:66,703,556, G>A. VCF-style: chr15-66703556-G-A. GRCh37 (hg19) VCF-style: chr15-66995894-G-A.
Other names: short protein forms A100T.
Identifiers: ClinVar variation 1032339 (VCV001032339.7), dbSNP rs946134204, ClinGen allele CA271682831.

ClinVar aggregate classification (germline): Uncertain significance. Review status: criteria provided, multiple submitters, no conflicts (2 of 4 stars). 3 submissions from 3 submitters: Uncertain significance (3). Last evaluated 2025-08-29.

Conditions:
Inborn genetic diseases. Identifiers: MedGen C0950123, MeSH D030342.
Aortic valve disease 2 (AOVD2). Identifiers: MedGen C3542024, MONDO:0013902, OMIM 614823.

Allele frequency attached by ClinVar (database versions not stated): TOPMed 0.00002.

Submissions (3):

Labcorp Genetics (formerly Invitae), Labcorp
Classification: Uncertain significance for Aortic valve disease 2. Last evaluated: 2025-08-29. Review status: criteria provided, single submitter. Criteria: Invitae Variant Classification Sherloc (09022015). Collection method: clinical testing. Allele origin: germline.
Comment: This sequence change replaces alanine, which is neutral and non-polar, with threonine, which is neutral and polar, at codon 100 of the SMAD6 protein (p.Ala100Thr). This variant is present in population databases (no rsID available, gnomAD 0.01%). This variant has not been reported in the literature in individuals affected with SMAD6-related conditions. ClinVar contains an entry for this variant (Variation ID: 1032339). An algorithm developed to predict the effect of missense changes on protein structure and function (PolyPhen-2) suggests that this variant is likely to be tolerated. In summary, the available evidence is currently insufficient to determine the role of this variant in disease. Therefore, it has been classified as a Variant of Uncertain Significance.

Ambry Genetics
Classification: Uncertain significance for Inborn genetic diseases. Last evaluated: 2024-03-19. Review status: criteria provided, single submitter. Criteria: Ambry Variant Classification Scheme 2023. Collection method: clinical testing. Allele origin: germline.

Baylor Genetics
Classification: Uncertain significance for Aortic valve disease 2. Last evaluated: 2018-11-03. Review status: criteria provided, single submitter. Criteria: ACMG Guidelines, 2015. Collection method: clinical testing. Allele origin: maternal. Affected: yes.
Comment: This variant was determined to be of uncertain significance according to ACMG Guidelines, 2015 [PMID:25741868].